The following is an entry in ClinVar:

ClinVar aggregate classification (germline): Uncertain significance (1 of 4 stars; one submission).

gnomAD v4.1: 1 of 1,534,116 alleles (0.000065%); highest among the groups gnomAD compares: South Asian, 0.0012%; no homozygotes.

Submission:

Women's Health and Genetics/Laboratory Corporation of America, LabCorp
Classification: Uncertain significance. Last evaluated: 2024-08-14. Review status: criteria provided, single submitter. Criteria: LabCorp Variant Classification Summary - May 2015. Collection method: clinical testing. Allele origin: germline.
Comment: Variant summary: KIF1A c.4017G>A (p.Gly1339Gly) alters a conserved nucleotide located close to a canonical splice site and therefore could affect mRNA splicing, leading to a significantly altered protein sequence. Consensus agreement among computation tools predict no significant impact on normal splicing. However, these predictions have yet to be confirmed by functional studies. The variant was absent in 159526 control chromosomes. The available data on variant occurrences in the general population are insufficient to allow any conclusion about variant significance. To our knowledge, no occurrence of c.4017G>A in individuals affected with NESCAV Syndrome and no experimental evidence demonstrating its impact on protein function have been reported. No submitters have cited clinical-significance assessments for this variant to ClinVar. Based on the evidence outlined above, the variant was classified as uncertain significance.

NM_001244008.2(KIF1A):c.4320G>A (p.Gly1440=)

Gene: KIF1A (kinesin family member 1A; minus strand). Cytogenetic location: 2q37.3.
Variant type: single nucleotide variant.
Coding change: c.4320G>A on transcript NM_001244008.2 (MANE Select); coding-DNA position 4320, G replaced by A.
Protein change: p.Gly1440=; no amino-acid change (glycine 1440 retained).
Molecular consequence: synonymous variant.
Genome position (GRCh38, 1-based): chr2:240,723,557, C>T on the plus strand (G>A on the coding strand, the complement: KIF1A is on the minus strand). VCF-style: chr2-240723557-C-T. GRCh37 (hg19) VCF-style: chr2-241662974-C-T.
Other names: c.4044G>A, p.Gly1348= (NM_001320705.2, NM_001379649.1); c.4071G>A, p.Gly1357= (NM_001330289.2); c.4119G>A, p.Gly1373= (NM_001330290.2, NM_001379648.1); c.4395G>A, p.Gly1465= (NM_001379631.1); c.4296G>A, p.Gly1432= (NM_001379632.1); c.4293G>A, p.Gly1431= (NM_001379633.1, NM_001379645.1); c.4146G>A, p.Gly1382= (NM_001379634.1); c.4143G>A, p.Gly1381= (NM_001379635.1, NM_001379646.1); and 7 more.
Identifiers: ClinVar variation 3366796 (VCV003366796.1).